The following is an entry in ClinVar:

NM_000553.6(WRN):c.2449-2A>C

Gene: WRN (WRN RecQ like helicase; plus strand). Cytogenetic location: 8p12.
Variant type: single nucleotide variant.
Coding change: c.2449-2A>C on transcript NM_000553.6 (MANE Select); the canonical splice acceptor site of the intron before coding-DNA position 2449, A replaced by C.
Molecular consequence: splice acceptor variant.
Genome position (GRCh38, 1-based): chr8:31,120,241, A>C. VCF-style: chr8-31120241-A-C. GRCh37 (hg19) VCF-style: chr8-30977757-A-C.
Identifiers: ClinVar variation 644997 (VCV000644997.8), dbSNP rs1585483030, ClinGen allele CA370915137.

ClinVar aggregate classification (germline): Likely pathogenic. Review status: criteria provided, multiple submitters, no conflicts (2 of 4 stars). 2 submissions from 2 submitters: Likely pathogenic (2). Last evaluated 2024-05-06.

Conditions:
Werner syndrome (WRN). Identifiers: Orphanet 902, MedGen C0043119, MONDO:0010196, OMIM 277700.

Allele frequency attached by ClinVar (database versions not stated): gnomAD exomes below 0.00001.
gnomAD v4.1: 2 of 1,612,508 alleles (0.00012%); highest among the groups gnomAD compares: Non-Finnish European, 0.00017%; no homozygotes.

Submissions (2):

Labcorp Genetics (formerly Invitae), Labcorp
Classification: Likely pathogenic for Werner syndrome. Last evaluated: 2024-05-06. Review status: criteria provided, single submitter. Criteria: Invitae Variant Classification Sherloc (09022015). Collection method: clinical testing. Allele origin: germline.
Comment: This sequence change affects an acceptor splice site in intron 20 of the WRN gene. It is expected to disrupt RNA splicing. Variants that disrupt the donor or acceptor splice site typically lead to a loss of protein function (PMID: 16199547), and loss-of-function variants in WRN are known to be pathogenic (PMID: 16673358). This variant is not present in population databases (gnomAD no frequency). This variant has not been reported in the literature in individuals affected with WRN-related conditions. ClinVar contains an entry for this variant (Variation ID: 644997). Algorithms developed to predict the effect of sequence changes on RNA splicing suggest that this variant may disrupt the consensus splice site. In summary, the currently available evidence indicates that the variant is pathogenic, but additional data are needed to prove that conclusively. Therefore, this variant has been classified as Likely Pathogenic.

Baylor Genetics
Classification: Likely pathogenic for Werner syndrome. Last evaluated: 2023-12-13. Review status: criteria provided, single submitter. Criteria: ACMG Guidelines, 2015. Collection method: clinical testing. Allele origin: unknown.

Literature cited by the submitters: PubMed 16199547 (cited by Labcorp Genetics (formerly Invitae), Labcorp); PubMed 16673358 (cited by Labcorp Genetics (formerly Invitae), Labcorp).